The following is an entry in ClinVar:

ClinVar aggregate classification (germline): Benign. Review status: criteria provided, multiple submitters, no conflicts (2 of 4 stars). 6 submissions from 6 submitters: Benign (6). Last evaluated 2026-02-04.

Conditions:
Developmental and epileptic encephalopathy, 34 (DEE34). Also called: SLC12A5-Related Epilepsy of Infancy with Migrating Focal Seizures; Early infantile epileptic encephalopathy 34. Identifiers: Orphanet 293181, MedGen C4225257, MONDO:0014718, OMIM 616645.

Allele frequency attached by ClinVar (database versions not stated): ESP Exome Variant Server 0.98347; TOPMed 0.98405; gnomAD 0.98449 and 0.98559; 1000 Genomes Project 30x 0.98532; 1000 Genomes Project 0.98602; ExAC 0.99563; gnomAD exomes 0.99652.
gnomAD v4.1: 1,601,900 of 1,606,090 alleles (100%); highest among the groups gnomAD compares: East Asian, 100%; 798,972 homozygotes.

Submissions (6):

Labcorp Genetics (formerly Invitae), Labcorp
Classification: Benign for Developmental and epileptic encephalopathy, 34. Last evaluated: 2026-02-04. Review status: criteria provided, single submitter. Criteria: Invitae Variant Classification Sherloc (09022015). Collection method: clinical testing. Allele origin: germline.

Blueprint Genetics
Classification: Benign. Last evaluated: 2024-11-28. Review status: criteria provided, single submitter. Criteria: ACMG Guidelines, 2015. Collection method: clinical testing. Allele origin: germline.

Unidad de Genómica Garrahan, Hospital de Pediatría Garrahan
Classification: Benign. Last evaluated: 2024-07-15. Review status: criteria provided, single submitter. Criteria: ACMG Guidelines, 2015. Collection method: clinical testing. Allele origin: germline. Affected: no. Observed: 93 variant alleles.
Comment: This variant is classified as Benign based on local population frequency. This variant was detected in 100% of patients studied in a panel designed for Epileptic and Developmental Encephalopathy and Progressive Myoclonus Epilepsy. Number of patients: 93. Only high quality variants are reported.

Mayo Clinic Laboratories, Mayo Clinic
Classification: Benign. Last evaluated: 2021-11-29. Review status: criteria provided, single submitter. Criteria: ACMG Guidelines, 2015. Collection method: clinical testing. Allele origin: germline. Observed: 254 variant alleles.

Genome-Nilou Lab
Classification: Benign for Developmental and epileptic encephalopathy, 34. Last evaluated: 2021-07-15. Review status: criteria provided, single submitter. Criteria: ACMG Guidelines, 2015. Collection method: clinical testing. Allele origin: germline. Affected: no.

Breakthrough Genomics
Classification: Benign. Review status: criteria provided, single submitter. Criteria: ACMG Guidelines, 2015. Collection method: not provided. Allele origin: germline. Inheritance: Autosomal recessive inheritance. Affected: yes.

NM_020708.5(SLC12A5):c.2100G>A (p.Ala700=)

Gene: SLC12A5 (solute carrier family 12 member 5; plus strand). Cytogenetic location: 20q13.12.
Variant type: single nucleotide variant.
Coding change: c.2100G>A on transcript NM_020708.5 (MANE Select); coding-DNA position 2100, G replaced by A.
Protein change: p.Ala700=; no amino-acid change (alanine 700 retained).
Molecular consequence: synonymous variant.
Genome position (GRCh38, 1-based): chr20:46,049,709, G>A. VCF-style: chr20-46049709-G-A. GRCh37 (hg19) VCF-style: chr20-44678348-G-A.
Other names: p.Ala700=; c.2169G>A, p.Ala723= (NM_001134771.2).
Identifiers: ClinVar variation 1164899 (VCV001164899.16), dbSNP rs6032635, ClinGen allele CA9887529.